The following is an entry in ClinVar:

NM_004958.4(MTOR):c.1940C>A (p.Thr647Asn)

Gene: MTOR (mechanistic target of rapamycin kinase; minus strand). Cytogenetic location: 1p36.22.
Variant type: single nucleotide variant.
Coding change: c.1940C>A on transcript NM_004958.4 (MANE Select); coding-DNA position 1940, C replaced by A.
Protein change: p.Thr647Asn; replaces threonine 647 with asparagine.
Molecular consequence: missense variant.
Genome position (GRCh38, 1-based): chr1:11,238,464, G>T on the plus strand (C>A on the coding strand, the complement: MTOR is on the minus strand). VCF-style: chr1-11238464-G-T. GRCh37 (hg19) VCF-style: chr1-11298521-G-T.
Other names: c.1940C>A, p.Thr647Asn (NM_001386500.1); c.692C>A, p.Thr231Asn (NM_001386501.1); short protein forms T231N, T647N.
Identifiers: ClinVar variation 1063423 (VCV001063423.9), dbSNP rs2100900978, ClinGen allele CA338389103.

ClinVar aggregate classification (germline): Uncertain significance (1 of 4 stars; one submission).

Submission:

Labcorp Genetics (formerly Invitae), Labcorp
Classification: Uncertain significance. Last evaluated: 2020-02-01. Review status: criteria provided, single submitter. Criteria: Invitae Variant Classification Sherloc (09022015). Collection method: clinical testing. Allele origin: germline.
Comment: This variant has not been reported in the literature in individuals with MTOR-related disease. This variant is not present in population databases (ExAC no frequency). This sequence change replaces threonine with asparagine at codon 647 of the MTOR protein (p.Thr647Asn). The threonine residue is highly conserved and there is a small physicochemical difference between threonine and asparagine. Algorithms developed to predict the effect of missense changes on protein structure and function are either unavailable or do not agree on the potential impact of this missense change (SIFT: "Tolerated"; PolyPhen-2: "Possibly Damaging"; Align-GVGD: "Class C0"). In summary, the available evidence is currently insufficient to determine the role of this variant in disease. Therefore, it has been classified as a Variant of Uncertain Significance.